The following is an entry in ClinVar:

NM_000350.3(ABCA4):c.6148-698_6670del

Gene: ABCA4 (ATP binding cassette subfamily A member 4; minus strand). Cytogenetic location: 1p22.1.
Variant type: Deletion.
Coding change: c.6148-698_6670del on transcript NM_000350.3 (MANE Select); 698 bases into the intron before coding-DNA position 6148 through coding-DNA position 6670, 4,771 bases deleted.
Molecular consequence: splice acceptor variant, splice donor variant.
Genome position (GRCh38, 1-based): chr1:93,997,920-94,002,690, 4,771 bases deleted. GRCh37 (hg19): chr1:94,463,476-94,468,246.
Identifiers: ClinVar variation 225695 (VCV000225695.1), ClinGen allele CA10576058.

ClinVar aggregate classification (germline): Likely pathogenic (1 of 4 stars; one submission).

Conditions:
Severe early-childhood-onset retinal dystrophy (STGD1). Also called: Stargardt macular dystrophy; Juvenile onset macular degeneration; Stargardt disease 1; STGD; MACULAR DYSTROPHY WITH FLECKS, TYPE 1. Identifiers: Orphanet 364055, Orphanet 827, MedGen C1855465, MeSH D000080362, MONDO:0009549, OMIM 248200.

Submission:

Lupski Lab, Baylor-Hopkins CMG, Baylor College of Medicine
Classification: Likely pathogenic for Severe early-childhood-onset retinal dystrophy. Review status: criteria provided, single submitter. Criteria: Lee et al. (Hum Genet 2016). Collection method: research. Allele origin: germline. Inheritance: Autosomal recessive inheritance. Affected: yes and no. Observed: 2 heterozygotes, 3 compound heterozygotes.
Comment: identified in compound heterozygous state in affected individual/s with macular isease